The following is an entry in ClinVar:

ClinVar aggregate classification (germline): Uncertain significance. Review status: criteria provided, multiple submitters, no conflicts (2 of 4 stars). 2 submissions from 2 submitters: Uncertain significance (2). Last evaluated 2024-08-05.

gnomAD v4.1: 2 of 1,613,878 alleles (0.00012%); no homozygotes.

Submissions (2):

Labcorp Genetics (formerly Invitae), Labcorp
Classification: Uncertain significance. Last evaluated: 2024-08-05. Review status: criteria provided, single submitter. Criteria: Invitae Variant Classification Sherloc (09022015). Collection method: clinical testing. Allele origin: germline.
Comment: This sequence change replaces aspartic acid, which is acidic and polar, with asparagine, which is neutral and polar, at codon 195 of the RIMS1 protein (p.Asp195Asn). This variant is not present in population databases (gnomAD no frequency). This variant has not been reported in the literature in individuals affected with RIMS1-related conditions. ClinVar contains an entry for this variant (Variation ID: 1039452). An algorithm developed to predict the effect of missense changes on protein structure and function (PolyPhen-2) suggests that this variant is likely to be disruptive. In summary, the available evidence is currently insufficient to determine the role of this variant in disease. Therefore, it has been classified as a Variant of Uncertain Significance.

Ambry Genetics
Classification: Uncertain significance. Last evaluated: 2024-07-09. Review status: criteria provided, single submitter. Criteria: Ambry Variant Classification Scheme 2023. Collection method: clinical testing. Allele origin: germline.

NM_014989.7(RIMS1):c.583G>A (p.Asp195Asn)

Gene: RIMS1 (regulating synaptic membrane exocytosis 1; plus strand). Cytogenetic location: 6q13.
Variant type: single nucleotide variant.
Coding change: c.583G>A on transcript NM_014989.7 (MANE Select); coding-DNA position 583, G replaced by A.
Protein change: p.Asp195Asn; replaces aspartic acid 195 with asparagine.
Molecular consequence: missense variant.
Genome position (GRCh38, 1-based): chr6:72,179,686, G>A. VCF-style: chr6-72179686-G-A. GRCh37 (hg19) VCF-style: chr6-72889389-G-A.
Other names: c.583G>A (NM_014989.4); short protein forms D195N.
Identifiers: ClinVar variation 1039452 (VCV001039452.11), dbSNP rs2048174140, ClinGen allele CA364818465.